The following is an entry in ClinVar:

NM_001382567.1(STIM1):c.1628C>T (p.Ser543Phe)

Gene: STIM1 (stromal interaction molecule 1; plus strand). Cytogenetic location: 11p15.4.
Variant type: single nucleotide variant.
Coding change: c.1628C>T on transcript NM_001382567.1 (MANE Select); coding-DNA position 1628, C replaced by T.
Protein change: p.Ser543Phe; replaces serine 543 with phenylalanine.
Molecular consequence: missense variant. On other transcripts: non-coding transcript variant (3).
Genome position (GRCh38, 1-based): chr11:4,086,537, C>T. VCF-style: chr11-4086537-C-T. GRCh37 (hg19) VCF-style: chr11-4107767-C-T.
Other names: c.1055C>T, p.Ser352Phe (NM_001382571.1); c.1313C>T, p.Ser438Phe (NM_001382575.1, NM_001382576.1, NM_001382577.1 and 3 more transcripts); c.1046C>T, p.Ser349Phe (NM_001382580.1, NM_001382581.1); c.1535C>T, p.Ser512Phe (NM_003156.4, NM_001277961.3, NM_001277962.2); c.1556C>T, p.Ser519Phe (NM_001382568.1); c.1400C>T, p.Ser467Phe (NM_001382569.1); c.1307C>T, p.Ser436Phe (NM_001382570.1); short protein forms S349F, S467F, S352F, S512F, S543F, S436F, S519F, S438F.
Identifiers: ClinVar variation 2197553 (VCV002197553.4), dbSNP rs565192496, ClinGen allele CA216531344.

ClinVar aggregate classification (germline): Uncertain significance (1 of 4 stars; one submission).

Conditions:
Stormorken syndrome (STRMK). Also called: THROMBOCYTOPATHY, ASPLENIA, AND MIOSIS. Identifiers: Orphanet 3204, MedGen C1861451, MONDO:0008497, OMIM 185070.
Combined immunodeficiency due to STIM1 deficiency. Also called: IMMUNODEFICIENCY 10; STIM1 DEFICIENCY. Identifiers: Orphanet 169090, Orphanet 317430, MedGen C2748557, MONDO:0013008, OMIM 612783.
Myopathy with tubular aggregates (TAM). Also called: Tubular Aggregate Myopathy. Identifiers: Orphanet 2593, MedGen C0410207, MONDO:0008051.

Allele frequency attached by ClinVar (database versions not stated): gnomAD 0.00001; 1000 Genomes Project 0.00020; 1000 Genomes Project 30x 0.00031.
gnomAD v4.1: 1 of 1,614,140 alleles (0.000062%); highest among the groups gnomAD compares: East Asian, 0.0022%; no homozygotes.

Submission:

Labcorp Genetics (formerly Invitae), Labcorp
Classification: Uncertain significance for Myopathy with tubular aggregates; Combined immunodeficiency due to STIM1 deficiency; Stormorken syndrome. Last evaluated: 2024-10-10. Review status: criteria provided, single submitter. Criteria: Invitae Variant Classification Sherloc (09022015). Collection method: clinical testing. Allele origin: germline.
Comment: This sequence change replaces serine, which is neutral and polar, with phenylalanine, which is neutral and non-polar, at codon 512 of the STIM1 protein (p.Ser512Phe). This variant is not present in population databases (gnomAD no frequency). This variant has not been reported in the literature in individuals affected with STIM1-related conditions. ClinVar contains an entry for this variant (Variation ID: 2197553). Invitae Evidence Modeling of protein sequence and biophysical properties (such as structural, functional, and spatial information, amino acid conservation, physicochemical variation, residue mobility, and thermodynamic stability) has been performed for this missense variant. However, the output from this modeling did not meet the statistical confidence thresholds required to predict the impact of this variant on STIM1 protein function. In summary, the available evidence is currently insufficient to determine the role of this variant in disease. Therefore, it has been classified as a Variant of Uncertain Significance.